The following is an entry in ClinVar:

NM_173483.4(CYP4F22):c.940-1G>A

Gene: CYP4F22 (cytochrome P450 family 4 subfamily F member 22; plus strand). Cytogenetic location: 19p13.12.
Variant type: single nucleotide variant.
Coding change: c.940-1G>A on transcript NM_173483.4 (MANE Select); the canonical splice acceptor site of the intron before coding-DNA position 940, G replaced by A.
Molecular consequence: splice acceptor variant.
Genome position (GRCh38, 1-based): chr19:15,543,970, G>A. VCF-style: chr19-15543970-G-A. GRCh37 (hg19) VCF-style: chr19-15654781-G-A.
Identifiers: ClinVar variation 560318 (VCV000560318.6), dbSNP rs1568362605, ClinGen allele CA404538598.

ClinVar aggregate classification (germline): Likely pathogenic. Review status: criteria provided, multiple submitters, no conflicts (2 of 4 stars). 3 submissions from 3 submitters: Likely pathogenic (2). 1 of the submissions does not count toward it. Last evaluated 2026-03-23.

Conditions:
Lamellar ichthyosis. Identifiers: Orphanet 313, MedGen C5848247, MONDO:0017778.
Autosomal recessive congenital ichthyosis 5 (ARCI5). Also called: ICHTHYOSIS CONGENITA III; Ichthyosis, nonlamellar and nonerythrodermic, congenital, autosomal recessive. Identifiers: Orphanet 313, MedGen C1858133, MONDO:0011485, OMIM 604777.

Allele frequency attached by ClinVar (database versions not stated): gnomAD exomes below 0.00001.

Submissions (3):

Women's Health and Genetics/Laboratory Corporation of America, LabCorp
Classification: Likely pathogenic for Lamellar ichthyosis. Last evaluated: 2026-03-23. Review status: criteria provided, single submitter. Criteria: LabCorp Variant Classification Summary - May 2015. Collection method: clinical testing. Allele origin: germline.
Comment: Variant summary: CYP4F22 c.940-1G>A is located in a canonical splice-site and is predicted to affect mRNA splicing resulting in a significantly altered protein due to either exon skipping, shortening, or inclusion of intronic material. Variants that disrupt the consensus splice site are a relatively common cause of aberrant splicing and loss of CYP4F22 function. Several computational tools predict a significant impact on normal splicing: Four predict the variant abolishes a 3' acceptor site. Two predict the variant creates a 3' acceptor site. However, these predictions have yet to be confirmed by functional studies. The variant was absent in 251474 control chromosomes. c.940-1G>A has been observed in individual(s) affected with Ichthyosis (Hotz_2018). To our knowledge, no experimental evidence demonstrating an impact on protein function has been reported. The following publication have been ascertained in the context of this evaluation (PMID: 30011118). ClinVar contains an entry for this variant (Variation ID: 560318). Based on the evidence outlined above, the variant was classified as likely pathogenic.

Labcorp Genetics (formerly Invitae), Labcorp
Classification: Likely pathogenic. Last evaluated: 2023-08-04. Review status: criteria provided, single submitter. Criteria: Invitae Variant Classification Sherloc (09022015). Collection method: clinical testing. Allele origin: germline.
Comment: Disruption of this splice site has been observed in individual(s) with congenital ichthyosis (PMID: 30011118). This sequence change affects an acceptor splice site in intron 8 of the CYP4F22 gene. It is expected to disrupt RNA splicing. Variants that disrupt the donor or acceptor splice site typically lead to a loss of protein function (PMID: 16199547), and loss-of-function variants in CYP4F22 are known to be pathogenic (PMID: 16436457, 24397709, 26762237). This variant is not present in population databases (gnomAD no frequency). ClinVar contains an entry for this variant (Variation ID: 560318). Algorithms developed to predict the effect of sequence changes on RNA splicing suggest that this variant may disrupt the consensus splice site. In summary, the currently available evidence indicates that the variant is pathogenic, but additional data are needed to prove that conclusively. Therefore, this variant has been classified as Likely Pathogenic.

Institute for Human Genetics, University Medical Center Freiburg
Classification: Pathogenic for Autosomal recessive congenital ichthyosis 5. Last evaluated: 2018-04-23. Review status: no assertion criteria provided. Collection method: clinical testing. Allele origin: germline. Affected: yes. Not counted in ClinVar's aggregate classification.

Literature cited by the submitters: PubMed 30011118 (cited by 3 submitters); PubMed 16199547 (cited by Labcorp Genetics (formerly Invitae), Labcorp); PubMed 16436457 (cited by Labcorp Genetics (formerly Invitae), Labcorp); PubMed 24397709 (cited by Labcorp Genetics (formerly Invitae), Labcorp); PubMed 26762237 (cited by Labcorp Genetics (formerly Invitae), Labcorp).